The following is an entry in ClinVar:

ClinVar aggregate classification (germline): Pathogenic (1 of 4 stars; one submission).

Conditions:
Pyruvate carboxylase deficiency. Also called: ATAXIA WITH LACTIC ACIDOSIS II; LEIGH NECROTIZING ENCEPHALOPATHY DUE TO PYRUVATE CARBOXYLASE DEFICIENCY; LEIGH SYNDROME DUE TO PYRUVATE CARBOXYLASE DEFICIENCY; PC DEFICIENCY; Pyruvate Carboxylase Deficiency Disease. Identifiers: Orphanet 3008, MedGen C0034341, MONDO:0009949, OMIM 266150.

Submission:

Myriad Genetics, Inc.
Classification: Pathogenic for Pyruvate carboxylase deficiency. Last evaluated: 2024-08-24. Review status: criteria provided, single submitter. Criteria: Myriad Autosomal Dominant, Autosomal Recessive and X-Linked Classification Criteria (2023). Collection method: clinical testing. Allele origin: unknown.
Comment: NM_000920.3(PC):c.941_942insC(D315Gfs*39) is expected to be pathogenic in the context of pyruvate carboxylase deficiency. This variant is predicted to lead to an abnormal or absent protein product due to the creation of a premature termination codon in PC, a gene where loss-of-function variants are known to be pathogenic. Please note: this variant was assessed in the context of healthy population screening.

NM_001040716.2(PC):c.941_942insC (p.Asp315fs)

Gene: PC (pyruvate carboxylase; minus strand). Cytogenetic location: 11q13.2.
Variant type: Insertion.
Coding change: c.941_942insC on transcript NM_001040716.2 (MANE Select); coding-DNA positions 941 to 942, C inserted.
Protein change: p.Asp315fs; shifts the reading frame from aspartic acid 315.
Molecular consequence: frameshift variant.
Genome position: GRCh38 VCF-style: chr11-66868926-C-CG. GRCh37 (hg19) VCF-style: chr11-66636397-C-CG.
Other names: c.941_942insC, p.Asp315fs (NM_000920.4, NM_001439352.1, NM_001439353.1 and 5 more transcripts); short protein forms D315fs.
Identifiers: ClinVar variation 5013488 (VCV005013488.1).